The following is an entry in ClinVar:

NM_006031.6(PCNT):c.8024G>A (p.Arg2675Gln)

Gene: PCNT (pericentrin; plus strand). Cytogenetic location: 21q22.3.
Variant type: single nucleotide variant.
Coding change: c.8024G>A on transcript NM_006031.6 (MANE Select); coding-DNA position 8024, G replaced by A.
Protein change: p.Arg2675Gln; replaces arginine 2675 with glutamine.
Molecular consequence: missense variant.
Genome position (GRCh38, 1-based): chr21:46,430,617, G>A. VCF-style: chr21-46430617-G-A. GRCh37 (hg19) VCF-style: chr21-47850531-G-A.
Other names: c.7670G>A, p.Arg2557Gln (NM_001315529.2); short protein forms R2557Q, R2675Q.
Identifiers: ClinVar variation 3351433 (VCV003351433.2).

ClinVar aggregate classification (germline): Uncertain significance (1 of 4 stars; one submission).

Conditions:
PCNT-related disorder. Also called: PCNT-related condition.

gnomAD v4.1: 59 of 1,569,794 alleles (0.0038%); highest among the groups gnomAD compares: Non-Finnish European, 0.0047%; no homozygotes.

Submission:

PreventionGenetics, part of Exact Sciences
Classification: Uncertain significance for PCNT-related condition. Last evaluated: 2025-03-30. Review status: criteria provided, single submitter. Criteria: ACMG Guidelines, 2015. Collection method: clinical testing. Allele origin: germline.
Comment: The PCNT c.8024G>A variant is predicted to result in the amino acid substitution p.Arg2675Gln. To our knowledge, this variant has not been reported in the literature. This variant is reported in 0.0052% of alleles in individuals of European (Non-Finnish) descent in gnomAD. At this time, the clinical significance of this variant is uncertain due to the absence of conclusive functional and genetic evidence.